The following is an entry in ClinVar:

NM_014365.3(HSPB8):c.150C>A (p.Asp50Glu)

Gene: HSPB8 (heat shock protein family B (small) member 8; plus strand). Cytogenetic location: 12q24.23.
Variant type: single nucleotide variant.
Coding change: c.150C>A on transcript NM_014365.3 (MANE Select); coding-DNA position 150, C replaced by A.
Protein change: p.Asp50Glu; replaces aspartic acid 50 with glutamic acid.
Molecular consequence: missense variant.
Genome position (GRCh38, 1-based): chr12:119,179,462, C>A. VCF-style: chr12-119179462-C-A. GRCh37 (hg19) VCF-style: chr12-119617267-C-A.
Other names: short protein forms D50E.
Identifiers: ClinVar variation 1365569 (VCV001365569.6), dbSNP rs2136079920, ClinGen allele CA386524564.

ClinVar aggregate classification (germline): Uncertain significance (1 of 4 stars; one submission).

Conditions:
Charcot-Marie-Tooth disease axonal type 2L. Also called: Charcot-Marie-Tooth Neuropathy Type 2L; CHARCOT-MARIE-TOOTH DISEASE, AXONAL, AUTOSOMAL DOMINANT, TYPE 2L; CHARCOT-MARIE-TOOTH NEUROPATHY, AXONAL, TYPE 2L. Identifiers: Orphanet 99945, MedGen C1837552, MONDO:0012096, OMIM 608673.

Submission:

Labcorp Genetics (formerly Invitae), Labcorp
Classification: Uncertain significance for Charcot-Marie-Tooth disease axonal type 2L. Last evaluated: 2021-10-31. Review status: criteria provided, single submitter. Criteria: Invitae Variant Classification Sherloc (09022015). Collection method: clinical testing. Allele origin: germline.
Comment: This sequence change replaces aspartic acid, which is acidic and polar, with glutamic acid, which is acidic and polar, at codon 50 of the HSPB8 protein (p.Asp50Glu). This variant is not present in population databases (gnomAD no frequency). This variant has not been reported in the literature in individuals affected with HSPB8-related conditions. Algorithms developed to predict the effect of missense changes on protein structure and function output the following: SIFT: "Tolerated"; PolyPhen-2: "Benign"; Align-GVGD: "Class C0". The glutamic acid amino acid residue is found in multiple mammalian species, which suggests that this missense change does not adversely affect protein function. In summary, the available evidence is currently insufficient to determine the role of this variant in disease. Therefore, it has been classified as a Variant of Uncertain Significance.